The following is an entry in ClinVar:

NM_000222.3(KIT):c.1464G>A (p.Thr488=)

Gene: KIT (KIT proto-oncogene, receptor tyrosine kinase; plus strand). Cytogenetic location: 4q12.
Variant type: single nucleotide variant.
Coding change: c.1464G>A on transcript NM_000222.3 (MANE Select); coding-DNA position 1464, G replaced by A.
Protein change: p.Thr488=; no amino-acid change (threonine 488 retained).
Molecular consequence: synonymous variant.
Genome position (GRCh38, 1-based): chr4:54,725,974, G>A. VCF-style: chr4-54725974-G-A. GRCh37 (hg19) VCF-style: chr4-55592140-G-A.
Other names: c.1464G>A, p.Thr488= (NM_001093772.2, NM_001385285.1, NM_001385286.1); c.1467G>A, p.Thr489= (NM_001385284.1, NM_001385288.1, NM_001385290.1 and 1 more transcripts).
Identifiers: ClinVar variation 237243 (VCV000237243.15), dbSNP rs878853761, ClinGen allele CA10582261.

ClinVar aggregate classification (germline): Benign/Likely benign. Review status: criteria provided, multiple submitters, no conflicts (2 of 4 stars). 4 submissions from 4 submitters: Benign (1); Likely benign (3). Last evaluated 2026-06-03.

Conditions:
Hereditary cancer-predisposing syndrome. Also called: Neoplastic Syndromes, Hereditary; Hereditary Cancer Syndrome; Tumor predisposition; Hereditary neoplastic syndrome. Identifiers: Orphanet 140162, MedGen C0027672, MeSH D009386, MONDO:0015356.
Gastrointestinal stromal tumor. Also called: Gastrointestinal stroma tumor; Gastrointestinal stromal tumor, somatic. Identifiers: Orphanet 44890, MedGen C0238198, MeSH D046152, MONDO:0011719, OMIM 606764, HP:0100723.

Allele frequency attached by ClinVar (database versions not stated): gnomAD 0.00001; gnomAD exomes 0.00001; TOPMed 0.00002.
gnomAD v4.1: 17 of 1,613,978 alleles (0.0011%); highest among the groups gnomAD compares: Middle Eastern, 0.033%; no homozygotes.

Submissions (4):

Myriad Genetics, Inc.
Classification: Benign for Gastrointestinal stromal tumor. Last evaluated: 2026-06-03. Review status: criteria provided, single submitter. Criteria: Myriad Autosomal Dominant, Autosomal Recessive and X-Linked Classification Criteria (2023). Collection method: clinical testing. Allele origin: unknown.
Comment: This variant is considered benign. This variant is a silent/synonymous amino acid change and it is not expected to impact splicing.

Labcorp Genetics (formerly Invitae), Labcorp
Classification: Likely benign for Gastrointestinal stromal tumor. Last evaluated: 2026-01-04. Review status: criteria provided, single submitter. Criteria: Invitae Variant Classification Sherloc (09022015). Collection method: clinical testing. Allele origin: germline.

Blueprint Genetics
Classification: Likely benign. Last evaluated: 2024-04-19. Review status: criteria provided, single submitter. Criteria: ACMG Guidelines, 2015. Collection method: clinical testing. Allele origin: germline.

Ambry Genetics
Classification: Likely benign for Hereditary cancer-predisposing syndrome. Last evaluated: 2022-02-26. Review status: criteria provided, single submitter. Criteria: Ambry Variant Classification Scheme 2023. Collection method: clinical testing. Allele origin: germline.